The following is an entry in ClinVar:

NM_152564.5(VPS13B):c.11644C>G (p.Gln3882Glu)

Gene: VPS13B (vacuolar protein sorting 13 homolog B; plus strand). Cytogenetic location: 8q22.2.
Variant type: single nucleotide variant.
Coding change: c.11644C>G on transcript NM_152564.5 (MANE Select); coding-DNA position 11644, C replaced by G.
Protein change: p.Gln3882Glu; replaces glutamine 3882 with glutamic acid.
Molecular consequence: missense variant.
Genome position (GRCh38, 1-based): chr8:99,871,596, C>G. VCF-style: chr8-99871596-C-G. GRCh37 (hg19) VCF-style: chr8-100883824-C-G.
Other names: c.11719C>G, p.Gln3907Glu (NM_017890.5); short protein forms Q3882E, Q3907E.
Identifiers: ClinVar variation 1739664 (VCV001739664.4), dbSNP rs1322613165, ClinGen allele CA371794690.

ClinVar aggregate classification (germline): Uncertain significance. Review status: criteria provided, multiple submitters, no conflicts (2 of 4 stars). 2 submissions from 2 submitters: Uncertain significance (2). Last evaluated 2021-12-22.

Conditions:
Cohen syndrome (COH1). Also called: PEPPER SYNDROME; Cutis verticis gyrata, retinitis pigmentosa, and sensorineural deafness. Identifiers: Orphanet 193, MedGen C0265223, MONDO:0008999, OMIM 216550.
Inborn genetic diseases. Identifiers: MedGen C0950123, MeSH D030342.

Allele frequency attached by ClinVar (database versions not stated): gnomAD exomes below 0.00001; gnomAD 0.00001.
gnomAD v4.1: 2 of 1,614,082 alleles (0.00012%); highest among the groups gnomAD compares: Non-Finnish European, 0.00017%; no homozygotes.

Submissions (2):

Labcorp Genetics (formerly Invitae), Labcorp
Classification: Uncertain significance for Cohen syndrome. Last evaluated: 2021-12-22. Review status: criteria provided, single submitter. Criteria: Invitae Variant Classification Sherloc (09022015). Collection method: clinical testing. Allele origin: germline.
Comment: This sequence change replaces glutamine, which is neutral and polar, with glutamic acid, which is acidic and polar, at codon 3907 of the VPS13B protein (p.Gln3907Glu). This variant is present in population databases (no rsID available, gnomAD 0.007%). This variant has not been reported in the literature in individuals affected with VPS13B-related conditions. Algorithms developed to predict the effect of missense changes on protein structure and function are either unavailable or do not agree on the potential impact of this missense change (SIFT: "Not Available"; PolyPhen-2: "Benign"; Align-GVGD: "Not Available"). In summary, the available evidence is currently insufficient to determine the role of this variant in disease. Therefore, it has been classified as a Variant of Uncertain Significance.

Ambry Genetics
Classification: Uncertain significance for Inborn genetic diseases. Last evaluated: 2018-02-13. Review status: criteria provided, single submitter. Criteria: Ambry Variant Classification Scheme 2023. Collection method: clinical testing. Allele origin: germline.
Comment: The p.Q3907E variant (also known as c.11719C>G), located in coding exon 60 of the VPS13B gene, results from a C to G substitution at nucleotide position 11719. The glutamine at codon 3907 is replaced by glutamic acid, an amino acid with highly similar properties. This amino acid position is highly conserved in available vertebrate species. In addition, the in silico prediction for this alteration is inconclusive. Since supporting evidence is limited at this time, the clinical significance of this alteration remains unclear.